The following is an entry in ClinVar:

NM_003060.4(SLC22A5):c.1621A>T (p.Met541Leu)

Gene: SLC22A5 (solute carrier family 22 member 5; plus strand). Cytogenetic location: 5q31.1.
Variant type: single nucleotide variant.
Coding change: c.1621A>T on transcript NM_003060.4 (MANE Select); coding-DNA position 1621, A replaced by T.
Protein change: p.Met541Leu; replaces methionine 541 with leucine.
Molecular consequence: missense variant.
Genome position (GRCh38, 1-based): chr5:132,394,219, A>T. VCF-style: chr5-132394219-A-T. GRCh37 (hg19) VCF-style: chr5-131729911-A-T.
Other names: p.Met541Leu; c.1693A>T, p.Met565Leu (NM_001308122.2); short protein forms M541L, M565L.
Identifiers: ClinVar variation 286533 (VCV000286533.11), dbSNP rs758158685, ClinGen allele CA3404222.

ClinVar aggregate classification (germline): Conflicting classifications of pathogenicity. Review status: criteria provided, conflicting classifications (1 of 4 stars). 3 submissions from 3 submitters: Uncertain significance (2); Likely benign (1). Last evaluated 2022-10-03.

Conditions:
Renal carnitine transport defect (CDSP). Also called: Systemic primary carnitine deficiency; Carnitine transporter deficiency; Primary carnitine deficiency; Systemic primary carnitine deficiency disease; CARNITINE DEFICIENCY, SYSTEMIC, DUE TO DEFECT IN RENAL REABSORPTION OF CARNITINE; CARNITINE TRANSPORTER, PLASMA-MEMBRANE, DEFICIENCY OF. Identifiers: Orphanet 158, MedGen C0342788, MONDO:0008919, OMIM 212140.

Allele frequency attached by ClinVar (database versions not stated): ExAC 0.00001; gnomAD exomes 0.00001; TOPMed 0.00002.
gnomAD v4.1: 7 of 1,613,768 alleles (0.00043%); highest among the groups gnomAD compares: Admixed American, 0.0083%; no homozygotes.

Submissions (3):

Giacomini Lab, University of California, San Francisco
Classification: Likely benign for Renal carnitine transport defect. Last evaluated: 2022-10-03. Review status: criteria provided, single submitter. Criteria: ACMG Guidelines, 2015. Collection method: research, in vitro. Allele origin: germline, not applicable.

Labcorp Genetics (formerly Invitae), Labcorp
Classification: Uncertain significance for Renal carnitine transport defect. Last evaluated: 2022-03-20. Review status: criteria provided, single submitter. Criteria: Invitae Variant Classification Sherloc (09022015). Collection method: clinical testing. Allele origin: germline.
Comment: This sequence change replaces methionine, which is neutral and non-polar, with leucine, which is neutral and non-polar, at codon 541 of the SLC22A5 protein (p.Met541Leu). This variant is present in population databases (rs758158685, gnomAD 0.006%). This variant has not been reported in the literature in individuals affected with SLC22A5-related conditions. ClinVar contains an entry for this variant (Variation ID: 286533). Advanced modeling of protein sequence and biophysical properties (such as structural, functional, and spatial information, amino acid conservation, physicochemical variation, residue mobility, and thermodynamic stability) performed at Invitae indicates that this missense variant is not expected to disrupt SLC22A5 protein function. Algorithms developed to predict the effect of sequence changes on RNA splicing suggest that this variant may create or strengthen a splice site. In summary, the available evidence is currently insufficient to determine the role of this variant in disease. Therefore, it has been classified as a Variant of Uncertain Significance.

Eurofins Ntd Llc (ga)
Classification: Uncertain significance. Last evaluated: 2016-03-01. Review status: criteria provided, single submitter. Criteria: EGL Classification Definitions 2015. Collection method: clinical testing. Allele origin: germline. Observed: 1 variant allele, 1 heterozygote.